The following is an entry in ClinVar:

NM_001876.4(CPT1A):c.1069C>T (p.Arg357Trp)

Gene: CPT1A (carnitine palmitoyltransferase 1A; minus strand). Cytogenetic location: 11q13.3.
Variant type: single nucleotide variant.
Coding change: c.1069C>T on transcript NM_001876.4 (MANE Select); coding-DNA position 1069, C replaced by T.
Protein change: p.Arg357Trp; replaces arginine 357 with tryptophan.
Molecular consequence: missense variant.
Genome position (GRCh38, 1-based): chr11:68,784,909, G>A on the plus strand (C>T on the coding strand, the complement: CPT1A is on the minus strand). VCF-style: chr11-68784909-G-A. GRCh37 (hg19) VCF-style: chr11-68552377-G-A.
Other names: c.1069C>T, p.Arg357Trp (NM_001031847.3); short protein forms R357W.
Identifiers: ClinVar variation 65640 (VCV000065640.13), dbSNP rs80356777, ClinGen allele CA344960.

ClinVar aggregate classification (germline): Likely pathogenic. Review status: criteria provided, multiple submitters, no conflicts (2 of 4 stars). 3 submissions from 3 submitters: Likely pathogenic (2). 1 of the submissions does not count toward it. Last evaluated 2024-08-21.

Conditions:
Carnitine palmitoyl transferase 1A deficiency. Also called: Carnitine palmitoyltransferase 1A deficiency; CPT deficiency, hepatic, type IA; Carnitine palmitoyltransferase type I deficiency; CPT I DEFICIENCY; CPT DEFICIENCY, HEPATIC, TYPE I. Identifiers: Orphanet 156, MedGen C1829703, MONDO:0009705, OMIM 255120.

Allele frequency attached by ClinVar (database versions not stated): TOPMed below 0.00001; gnomAD 0.00001; ExAC 0.00002; gnomAD exomes below 0.00001.

Submissions (3):

Natera, Inc.
Classification: Likely pathogenic for Carnitine palmitoyltransferase type I deficiency. Last evaluated: 2024-08-21. Review status: criteria provided, single submitter. Criteria: Natera Variant Classification Schema (03/2026). Collection method: clinical testing. Allele origin: germline.
Comment: The c.1069C>T variant in CPT1A is a missense variant predicted to cause substitution of arginine to tryptophan at amino acid 357. This variant is rare in the general population with a frequency below the threshold expected for the associated phenotype(s). This variant has been observed in one or more individuals affected with the associated recessive disease, as either homozygous or compound heterozygous with a second variant (PMID: 11441142). Functional studies show that this variant may disrupt protein function (PMID: 11441142). Computational prediction algorithms indicate this variant is likely to affect gene or protein function. Given the available evidence, this variant is classified as Likely Pathogenic.

Labcorp Genetics (formerly Invitae), Labcorp
Classification: Likely pathogenic for Carnitine palmitoyl transferase 1A deficiency. Last evaluated: 2024-07-16. Review status: criteria provided, single submitter. Criteria: Invitae Variant Classification Sherloc (09022015). Collection method: clinical testing. Allele origin: germline.
Comment: This sequence change replaces arginine, which is basic and polar, with tryptophan, which is neutral and slightly polar, at codon 357 of the CPT1A protein (p.Arg357Trp). This variant is present in population databases (rs80356777, gnomAD 0.005%). This missense change has been observed in individual(s) with CPT1 deficiency (PMID: 11441142). ClinVar contains an entry for this variant (Variation ID: 65640). Advanced modeling of protein sequence and biophysical properties (such as structural, functional, and spatial information, amino acid conservation, physicochemical variation, residue mobility, and thermodynamic stability) performed at Invitae indicates that this missense variant is expected to disrupt CPT1A protein function with a positive predictive value of 80%. Experimental studies have shown that this missense change affects CPT1A function (PMID: 11441142). In summary, the currently available evidence indicates that the variant is pathogenic, but additional data are needed to prove that conclusively. Therefore, this variant has been classified as Likely Pathogenic.

GeneReviews
No classification provided. Condition: Carnitine palmitoyl transferase 1A deficiency. Review status: no classification provided. Collection method: literature only. Allele origin: germline. Not counted in ClinVar's aggregate classification.

Literature cited by the submitters: PubMed 11441142 (cited by Natera, Inc. and Labcorp Genetics (formerly Invitae), Labcorp); NCBI Bookshelf NBK1527 (cited by GeneReviews).